The following is an entry in ClinVar:

NM_001099922.3(ALG13):c.3119A>G (p.Asp1040Gly)

Gene: ALG13 (ALG13 UDP-N-acetylglucosaminyltransferase subunit; plus strand). Cytogenetic location: Xq23.
Variant type: single nucleotide variant.
Coding change: c.3119A>G on transcript NM_001099922.3 (MANE Select); coding-DNA position 3119, A replaced by G.
Protein change: p.Asp1040Gly; replaces aspartic acid 1040 with glycine.
Molecular consequence: missense variant. On other transcripts: non-coding transcript variant (1).
Genome position (GRCh38, 1-based): chrX:111,757,733, A>G. VCF-style: chrX-111757733-A-G. GRCh37 (hg19) VCF-style: chrX-111000961-A-G.
Other names: c.2570A>G, p.Asp857Gly (NM_001257230.2, NM_001257234.2, NM_001257237.2); c.2885A>G, p.Asp962Gly (NM_001257231.2); c.2882A>G, p.Asp961Gly (NM_001324292.2); c.2396A>G, p.Asp799Gly (NM_001324293.1); short protein forms D857G, D961G, D1040G, D799G, D962G.
Identifiers: ClinVar variation 1394663 (VCV001394663.12), dbSNP rs2148514658, ClinGen allele CA414292813.

ClinVar aggregate classification (germline): Uncertain significance (1 of 4 stars; one submission).

Conditions:
Developmental and epileptic encephalopathy, 36 (DEE36). Also called: ALG13-CDG; Epileptic encephalopathy, early infantile, 36; Congenital disorder of glycosylation, type Is. Identifiers: Orphanet 324422, MedGen C4317295, MONDO:0010472, OMIM 300884.

gnomAD v4.1: 23 of 1,209,436 alleles (0.0019%); highest among the groups gnomAD compares: Non-Finnish European, 0.0025%; no homozygotes.

Submissions (2):

Labcorp Genetics (formerly Invitae), Labcorp
Classification: Uncertain significance for Developmental and epileptic encephalopathy, 36. Last evaluated: 2022-03-15. Review status: criteria provided, single submitter. Criteria: Invitae Variant Classification Sherloc (09022015). Collection method: clinical testing. Allele origin: germline.
Comment: In summary, the available evidence is currently insufficient to determine the role of this variant in disease. Therefore, it has been classified as a Variant of Uncertain Significance. Algorithms developed to predict the effect of sequence changes on RNA splicing suggest that this variant may create or strengthen a splice site. Algorithms developed to predict the effect of missense changes on protein structure and function (SIFT, PolyPhen-2, Align-GVGD) all suggest that this variant is likely to be tolerated. This variant has not been reported in the literature in individuals affected with ALG13-related conditions. This variant is not present in population databases (gnomAD no frequency). This sequence change replaces aspartic acid, which is acidic and polar, with glycine, which is neutral and non-polar, at codon 1040 of the ALG13 protein (p.Asp1040Gly).

Dr. Peter K. Rogan Lab, Western University
No classification provided (evidence only). Condition: Nonpapillary renal cell carcinoma. Review status: no classification provided. Collection method: in vitro. Allele origin: not applicable. Functional consequence: retained intron. Not counted in ClinVar's aggregate classification.